The following is an entry in ClinVar:

NM_000179.3(MSH6):c.1475T>A (p.Met492Lys)

Gene: MSH6 (mutS homolog 6; plus strand). Cytogenetic location: 2p16.3.
Variant type: single nucleotide variant.
Coding change: c.1475T>A on transcript NM_000179.3 (MANE Select); coding-DNA position 1475, T replaced by A.
Protein change: p.Met492Lys; replaces methionine 492 with lysine.
Molecular consequence: missense variant. On other transcripts: non-coding transcript variant (4), intron variant (1).
Genome position (GRCh38, 1-based): chr2:47,799,458, T>A. VCF-style: chr2-47799458-T-A. GRCh37 (hg19) VCF-style: chr2-48026597-T-A.
Other names: c.1085T>A, p.Met362Lys (NM_001281492.2); c.569T>A, p.Met190Lys (NM_001281493.2, NM_001281494.2, NM_001406811.1 and 6 more transcripts); c.1571T>A, p.Met524Lys (NM_001406795.1, NM_001406802.1); c.1475T>A, p.Met492Lys (NM_001406796.1, NM_001406798.1, NM_001406800.1 and 4 more transcripts); c.1178T>A, p.Met393Lys (NM_001406797.1, NM_001406801.1, NM_001406805.1 and 10 more transcripts); c.950T>A, p.Met317Lys (NM_001406799.1, NM_001406806.1, NM_001406807.1); c.1397T>A, p.Met466Lys (NM_001406804.1); c.1481T>A, p.Met494Lys (NM_001406813.1); and 2 more; short protein forms M317K, M492K, M190K, M362K, M436K, M466K, M393K, M494K.
Identifiers: ClinVar variation 3875030 (VCV003875030.1).

ClinVar aggregate classification (germline): Uncertain significance (1 of 4 stars; one submission).

Conditions:
Hereditary cancer-predisposing syndrome. Also called: Tumor predisposition; Neoplastic Syndromes, Hereditary; Hereditary Cancer Syndrome; Hereditary neoplastic syndrome. Identifiers: Orphanet 140162, MedGen C0027672, MeSH D009386, MONDO:0015356.

Submission:

Ambry Genetics
Classification: Uncertain significance for Hereditary cancer-predisposing syndrome. Last evaluated: 2025-02-26. Review status: criteria provided, single submitter. Criteria: Ambry Variant Classification Scheme 2023. Collection method: clinical testing. Allele origin: germline.
Comment: The p.M492K variant (also known as c.1475T>A), located in coding exon 4 of the MSH6 gene, results from a T to A substitution at nucleotide position 1475. The methionine at codon 492 is replaced by lysine, an amino acid with similar properties. This amino acid position is conserved. In addition, this alteration is predicted to be deleterious by in silico analysis. Based on the available evidence, the clinical significance of this variant remains unclear.